The following is an entry in ClinVar:

NM_015631.6(TCTN3):c.1059C>T (p.Gly353=)

Gene: TCTN3 (tectonic family member 3; minus strand). Cytogenetic location: 10q24.1.
Variant type: single nucleotide variant.
Coding change: c.1059C>T on transcript NM_015631.6 (MANE Select); coding-DNA position 1059, C replaced by T.
Protein change: p.Gly353=; no amino-acid change (glycine 353 retained).
Molecular consequence: synonymous variant. On other transcripts: intron variant (1).
Genome position (GRCh38, 1-based): chr10:95,684,535, G>A on the plus strand (C>T on the coding strand, the complement: TCTN3 is on the minus strand). VCF-style: chr10-95684535-G-A. GRCh37 (hg19) VCF-style: chr10-97444292-G-A.
Other names: c.652-906C>T (NM_001143973.2).
Identifiers: ClinVar variation 1063225 (VCV001063225.5), dbSNP rs750698768, ClinGen allele CA5620976.

ClinVar aggregate classification (germline): Uncertain significance (1 of 4 stars; one submission).

Conditions:
Orofacial-digital syndrome IV (OFD4). Also called: BARAITSER-BURN SYNDROME; OFD SYNDROME WITH TIBIAL DEFECTS; OFD SYNDROME, BARAITSER-BURN TYPE; OFDS IV; ORAL-FACIAL-DIGITAL SYNDROME, TYPE IV; MOHR-MAJEWSKI SYNDROME. Identifiers: Orphanet 2753, MedGen C0406727, MONDO:0009794, OMIM 258860.
Joubert syndrome 18 (JBTS18). Identifiers: Orphanet 2754, MedGen C3553758, MONDO:0013896, OMIM 614815.

Allele frequency attached by ClinVar (database versions not stated): gnomAD 0.00002; TOPMed 0.00003.
gnomAD v4.1: 19 of 1,613,910 alleles (0.0012%); highest among the groups gnomAD compares: East Asian, 0.013%; no homozygotes.

Submission:

Labcorp Genetics (formerly Invitae), Labcorp
Classification: Uncertain significance for Joubert syndrome 18; Orofacial-digital syndrome IV. Last evaluated: 2026-01-19. Review status: criteria provided, single submitter. Criteria: Invitae Variant Classification Sherloc (09022015). Collection method: clinical testing. Allele origin: germline.
Comment: This sequence change affects codon 353 of the TCTN3 mRNA. It is a 'silent' change, meaning that it does not change the encoded amino acid sequence of the TCTN3 protein. This variant is present in population databases (rs750698768, gnomAD 0.04%). This variant has not been reported in the literature in individuals affected with TCTN3-related conditions. ClinVar contains an entry for this variant (Variation ID: 1063225). Algorithms developed to predict the effect of sequence changes on RNA splicing suggest that this variant may disrupt the consensus splice site. In summary, the available evidence is currently insufficient to determine the role of this variant in disease. Therefore, it has been classified as a Variant of Uncertain Significance.